The following is an entry in ClinVar:

ClinVar aggregate classification (germline): Conflicting classifications of pathogenicity. Review status: criteria provided, conflicting classifications (1 of 4 stars). 2 submissions from 2 submitters: Uncertain significance (1); Likely benign (1). Last evaluated 2026-05-01.

Conditions:
Breast-ovarian cancer, familial, susceptibility to, 1 (BROVCA1). Also called: OVARIAN CANCER, SUSCEPTIBILITY TO; BRCA1 Hereditary Breast and Ovarian Cancer. Identifiers: Orphanet 145, MedGen C2676676, MONDO:0011450, OMIM 604370. Disease mechanism: loss of function.
Hereditary cancer-predisposing syndrome. Also called: Neoplastic Syndromes, Hereditary; Tumor predisposition; Hereditary neoplastic syndrome; Hereditary Cancer Syndrome. Identifiers: Orphanet 140162, MedGen C0027672, MeSH D009386, MONDO:0015356.

gnomAD v4.1: 1 of 1,611,716 alleles (0.000062%); highest among the groups gnomAD compares: South Asian, 0.0011%; no homozygotes.

Submissions (2):

Cancer Bioinformatics and Tumour Evolution Laboratory, Monash University
Classification: Likely benign for Breast-ovarian cancer, familial, susceptibility to, 1. Last evaluated: 2026-05-01. Review status: criteria provided, single submitter. Criteria: ClinGen BRCA1 and BRCA2 Guidelines, 2024. Collection method: curation. Allele origin: germline. Inheritance: Autosomal dominant inheritance.
Comment: Missense variant outside of a functional domain with no splice impact. BRCA1 and BRCA2 VCEP guidelines recommend application of BP1_Strong (PMID: 39142283)

Ambry Genetics
Classification: Uncertain significance for Hereditary cancer-predisposing syndrome. Last evaluated: 2025-10-28. Review status: criteria provided, single submitter. Criteria: Ambry Variant Classification Scheme 2023. Collection method: clinical testing. Allele origin: germline.
Comment: The p.E227D variant (also known as c.681A>C), located in coding exon 9 of the BRCA1 gene, results from an A to C substitution at nucleotide position 681. The glutamic acid at codon 227 is replaced by aspartic acid, an amino acid with highly similar properties. This amino acid position is not well conserved in available vertebrate species. In addition, the in silico prediction for this alteration is inconclusive. Based on the available evidence, the clinical significance of this variant remains unclear.

NM_007294.4(BRCA1):c.681A>C (p.Glu227Asp)

Gene: BRCA1 (BRCA1 DNA repair associated; minus strand). Cytogenetic location: 17q21.31.
Variant type: single nucleotide variant.
Coding change: c.681A>C on transcript NM_007294.4 (MANE Select); coding-DNA position 681, A replaced by C.
Protein change: p.Glu227Asp; replaces glutamic acid 227 with aspartic acid.
Molecular consequence: missense variant. On other transcripts: 5 prime UTR variant (2), intron variant (13).
Genome position (GRCh38, 1-based): chr17:43,094,850, T>G on the plus strand (A>C on the coding strand, the complement: BRCA1 is on the minus strand). VCF-style: chr17-43094850-T-G. GRCh37 (hg19) VCF-style: chr17-41246867-T-G.
Other names: c.678A>C, p.Glu226Asp (NM_001408401.1, NM_001408402.1, NM_001408407.1 and 38 more transcripts); c.681A>C, p.Glu227Asp (NM_001408403.1, NM_001408404.1, NM_001408406.1 and 53 more transcripts); c.672A>C, p.Glu224Asp (NM_001408408.1, NM_001407646.1, NM_001407647.1); c.603A>C, p.Glu201Asp (NM_001408409.1, NM_001407657.1, NM_001407658.1 and 9 more transcripts); c.540A>C, p.Glu180Asp (NM_001408410.1, NM_001408452.1, NM_001408453.1 and 43 more transcripts); c.345A>C, p.Glu115Asp (NM_001407958.1, NM_001408508.1, NM_001408509.1 and 3 more transcripts); c.300A>C, p.Glu100Asp (NM_001407959.1, NM_001407960.1, NM_001407963.1 and 1 more transcripts); c.297A>C, p.Glu99Asp (NM_001407962.1); and 20 more; short protein forms E157D, E180D, E185D, E201D, E115D, E116D, E138D, E139D.
Identifiers: ClinVar variation 4624002 (VCV004624002.2).